The following is an entry in ClinVar:

ClinVar aggregate classification (germline): Pathogenic. Review status: criteria provided, multiple submitters, no conflicts (2 of 4 stars). 2 submissions from 2 submitters: Pathogenic (2). Last evaluated 2023-04-28.

Conditions:
Neurofibromatosis, type 2 (SWNV). Also called: BILATERAL ACOUSTIC NEUROFIBROMATOSIS; SCHWANNOMATOSIS, VESTIBULAR; NF2-Related Schwannomatosis. Identifiers: Orphanet 637, MedGen C0027832, MONDO:0007039, OMIM 101000. Disease mechanism: loss of function.
Hereditary cancer-predisposing syndrome. Also called: Neoplastic Syndromes, Hereditary; Tumor predisposition; Hereditary Cancer Syndrome; Hereditary neoplastic syndrome. Identifiers: Orphanet 140162, MedGen C0027672, MeSH D009386, MONDO:0015356.

Submissions (2):

Ambry Genetics
Classification: Pathogenic for Hereditary cancer-predisposing syndrome. Last evaluated: 2023-04-28. Review status: criteria provided, single submitter. Criteria: Ambry Variant Classification Scheme 2023. Collection method: clinical testing. Allele origin: germline.
Comment: The p.Q536* variant (also known as c.1606C>T), located in coding exon 15 of the NF2 gene, results from a C to T substitution at nucleotide position 1606. This changes the amino acid from a glutamine to a stop codon within coding exon 15. This amino acid position is highly conserved in available vertebrate species. This alteration is expected to result in loss of function by premature protein truncation or nonsense-mediated mRNA decay. This variant has been detected in multiple individuals with neurofibromatosis type 2 (Louvrier C et al. Neuro Oncol 2018 Jun;20(7):917-929, Evans DG et al. J Med Genet 1998 Jun;35(6):450-5 and Ambry internal data). As such, this alteration is interpreted as a disease-causing mutation.

Labcorp Genetics (formerly Invitae), Labcorp
Classification: Pathogenic for Neurofibromatosis, type 2. Last evaluated: 2017-07-19. Review status: criteria provided, single submitter. Criteria: Invitae Variant Classification Sherloc (09022015). Collection method: clinical testing. Allele origin: germline.
Comment: For these reasons, this variant has been classified as Pathogenic. Loss-of-function variants in NF2 are known to be pathogenic (PMID: 9643284, 16983642). This variant has been reported in individuals affected with neurofibromatosis type 2 (PMID: 8751853, Invitae). This sequence change creates a premature translational stop signal (p.Gln536*) in the NF2 gene. It is expected to result in an absent or disrupted protein product. This variant is not present in population databases (ExAC no frequency).

Literature cited by the submitters: PubMed 9643284 (cited by Labcorp Genetics (formerly Invitae), Labcorp); PubMed 16983642 (cited by Labcorp Genetics (formerly Invitae), Labcorp); PubMed 8751853 (cited by Labcorp Genetics (formerly Invitae), Labcorp).

NM_000268.4(NF2):c.1606C>T (p.Gln536Ter)

Gene: NF2 (NF2, moesin-ezrin-radixin like (MERLIN) tumor suppressor; plus strand). Cytogenetic location: 22q12.2.
Variant type: single nucleotide variant.
Coding change: c.1606C>T on transcript NM_000268.4 (MANE Select); coding-DNA position 1606, C replaced by T.
Protein change: p.Gln536Ter; replaces glutamine 536 with a stop codon.
Molecular consequence: nonsense. On other transcripts: non-coding transcript variant (1), intron variant (1).
Genome position (GRCh38, 1-based): chr22:29,681,470, C>T. VCF-style: chr22-29681470-C-T. GRCh37 (hg19) VCF-style: chr22-30077459-C-T.
Other names: c.1606C>T (NM_000268.3); c.1606C>T, p.Gln536Ter (NM_016418.5, NM_181825.3, NM_181832.3); c.1480C>T, p.Gln494Ter (NM_181828.3); c.1483C>T, p.Gln495Ter (NM_181829.3); c.1357C>T, p.Gln453Ter (NM_181830.3, NM_181831.3); c.448-13282C>T (NM_181833.3); short protein forms Q453*, Q494*, Q495*, Q536*.
Identifiers: ClinVar variation 1075085 (VCV001075085.11), dbSNP rs2147122581, ClinGen allele CA411150059.